The following is an entry in ClinVar:

NM_021930.6(RINT1):c.1377C>T (p.Ala459=)

Gene: RINT1 (RAD50 interactor 1; plus strand). Cytogenetic location: 7q22.3.
Variant type: single nucleotide variant.
Coding change: c.1377C>T on transcript NM_021930.6 (MANE Select); coding-DNA position 1377, C replaced by T.
Protein change: p.Ala459=; no amino-acid change (alanine 459 retained).
Molecular consequence: synonymous variant. On other transcripts: non-coding transcript variant (1).
Genome position (GRCh38, 1-based): chr7:105,551,613, C>T. VCF-style: chr7-105551613-C-T. GRCh37 (hg19) VCF-style: chr7-105192060-C-T.
Other names: c.1377C>T (NM_021930.5); c.1143C>T, p.Ala381= (NM_001346599.2); c.354C>T, p.Ala118= (NM_001346600.2, NM_001346603.2); c.453C>T, p.Ala151= (NM_001346601.2).
Identifiers: ClinVar variation 241396 (VCV000241396.39), dbSNP rs373723018, ClinGen allele CA4426668.

ClinVar aggregate classification (germline): Likely benign. Review status: criteria provided, multiple submitters, no conflicts (2 of 4 stars). 4 submissions from 4 submitters: Likely benign (4). Last evaluated 2025-12-23.

Conditions:
RINT1-related disorder. Also called: RINT1-related condition.

Allele frequency attached by ClinVar (database versions not stated): TOPMed 0.00008; gnomAD 0.00010 and 0.00011; ExAC 0.00014; ESP Exome Variant Server 0.00015; gnomAD exomes 0.00015 and 0.00021.
gnomAD v4.1: 235 of 1,609,676 alleles (0.015%); highest among the groups gnomAD compares: South Asian, 0.11%; 1 homozygote.

Submissions (4):

PreventionGenetics, part of Exact Sciences
Classification: Likely benign for RINT1-related condition. Last evaluated: 2025-12-23. Review status: criteria provided, single submitter. Criteria: ACMG Guidelines, 2015. Collection method: clinical testing. Allele origin: germline.
Comment: This variant is classified as likely benign based on ACMG/AMP sequence variant interpretation guidelines (Richards et al. 2015 PMID: 25741868, with internal and published modifications).

Labcorp Genetics (formerly Invitae), Labcorp
Classification: Likely benign. Last evaluated: 2025-08-11. Review status: criteria provided, single submitter. Criteria: Invitae Variant Classification Sherloc (09022015). Collection method: clinical testing. Allele origin: germline.

CeGaT Center for Human Genetics Tuebingen
Classification: Likely benign. Last evaluated: 2024-09-01. Review status: criteria provided, single submitter. Criteria: CeGaT Center For Human Genetics Tuebingen Variant Classification Criteria Version 2. Collection method: clinical testing. Allele origin: germline. Affected: yes. Observed: 4 variant alleles.
Comment: RINT1: BP4, BP7

Ambry Genetics
Classification: Likely benign. Last evaluated: 2020-08-27. Review status: criteria provided, single submitter. Criteria: Ambry Variant Classification Scheme 2023. Collection method: clinical testing. Allele origin: germline.